The following is an entry in ClinVar:

ClinVar aggregate classification (germline): Uncertain significance (1 of 4 stars; one submission).

Conditions:
Spastic ataxia 2. Also called: Ataxia, spastic, 2, autosomal recessive. Identifiers: Orphanet 397946, MedGen C1969796, MONDO:0012651, OMIM 611302.

Allele frequency attached by ClinVar (database versions not stated): gnomAD 0.00001; gnomAD exomes 0.00001; TOPMed 0.00001; ExAC 0.00003.
gnomAD v4.1: 47 of 1,610,998 alleles (0.0029%); highest among the groups gnomAD compares: Non-Finnish European, 0.0039%; no homozygotes.

Submission:

Labcorp Genetics (formerly Invitae), Labcorp
Classification: Uncertain significance for Spastic ataxia 2. Last evaluated: 2022-02-03. Review status: criteria provided, single submitter. Criteria: Invitae Variant Classification Sherloc (09022015). Collection method: clinical testing. Allele origin: germline.
Comment: This sequence change replaces arginine, which is basic and polar, with histidine, which is basic and polar, at codon 940 of the KIF1C protein (p.Arg940His). This variant is present in population databases (rs774901685, gnomAD 0.003%). This missense change has been observed in individual(s) with hereditary spastic paraplegia (PMID: 32501971). ClinVar contains an entry for this variant (Variation ID: 1035653). Algorithms developed to predict the effect of missense changes on protein structure and function are either unavailable or do not agree on the potential impact of this missense change (SIFT: "Deleterious"; PolyPhen-2: "Possibly Damaging"; Align-GVGD: "Class C0"). In summary, the available evidence is currently insufficient to determine the role of this variant in disease. Therefore, it has been classified as a Variant of Uncertain Significance.

Literature cited by the submitters: PubMed 32501971.

NM_006612.6(KIF1C):c.2819G>A (p.Arg940His)

Gene: KIF1C (kinesin family member 1C; plus strand). Cytogenetic location: 17p13.2.
Variant type: single nucleotide variant.
Coding change: c.2819G>A on transcript NM_006612.6 (MANE Select); coding-DNA position 2819, G replaced by A.
Protein change: p.Arg940His; replaces arginine 940 with histidine.
Molecular consequence: missense variant.
Genome position (GRCh38, 1-based): chr17:5,023,658, G>A. VCF-style: chr17-5023658-G-A. GRCh37 (hg19) VCF-style: chr17-4926953-G-A.
Other names: short protein forms R940H.
Identifiers: ClinVar variation 1035653 (VCV001035653.8), dbSNP rs774901685, ClinGen allele CA8319403.
Genomic context (GRCh38, chr17:5,023,658, plus strand): 5'-GCTGGGAGCGGGTGTCACGGCTCATGGAGGAGGACCCTGCCTTCCGTCGTGGTCGTCTTC[G>A]CTGGCTCAAGCAGGAGCAGCTACGGCTGCAGGGACTGCAGGGCTCTGGGGGCCGGGGCGG-3'
Protein context (NP_006603.2, residues 930-950): EDPAFRRGRL[Arg940His]WLKQEQLRLQ